The following is an entry in ClinVar:

NM_130384.3(ATRIP):c.721C>G (p.Gln241Glu)

Genes: ATRIP (ATR interacting protein; plus strand), ATRIP-TREX1 (ATRIP-TREX1 readthrough; plus strand). Cytogenetic location: 3p21.31.
Variant type: single nucleotide variant.
Coding change: c.721C>G on transcript NM_130384.3 (MANE Select); coding-DNA position 721, C replaced by G.
Protein change: p.Gln241Glu; replaces glutamine 241 with glutamic acid.
Molecular consequence: missense variant. On other transcripts: non-coding transcript variant (1).
Genome position (GRCh38, 1-based): chr3:48,457,308, C>G. VCF-style: chr3-48457308-C-G. GRCh37 (hg19) VCF-style: chr3-48498708-C-G.
Other names: c.340C>G, p.Gln114Glu (NM_001271022.2); c.442C>G, p.Gln148Glu (NM_001271023.2); c.721C>G, p.Gln241Glu (NM_032166.4); short protein forms Q148E, Q241E, Q114E.
Identifiers: ClinVar variation 3809104 (VCV003809104.1).

ClinVar aggregate classification (germline): Uncertain significance (1 of 4 stars; one submission).

Submission:

Ambry Genetics
Classification: Uncertain significance. Last evaluated: 2024-12-16. Review status: criteria provided, single submitter. Criteria: Ambry Variant Classification Scheme 2023. Collection method: clinical testing. Allele origin: germline.
Comment: The p.Q241E variant (also known as c.721C>G), located in coding exon 5 of the ATRIP gene, results from a C to G substitution at nucleotide position 721. The glutamine at codon 241 is replaced by glutamic acid, an amino acid with highly similar properties. This amino acid position is conserved. In addition, this alteration is predicted to be tolerated by in silico analysis. Based on the available evidence, the clinical significance of this variant remains unclear.